The following is an entry in ClinVar:

ClinVar aggregate classification (germline): Benign. Review status: criteria provided, multiple submitters, no conflicts (2 of 4 stars). 4 submissions from 4 submitters: Benign (4). Last evaluated 2021-06-19.

Conditions:
Thrombocytopenia. Identifiers: MedGen C0040034, MeSH D013921, MONDO:0002049, HP:0001873.

Allele frequency attached by ClinVar (database versions not stated): ESP Exome Variant Server 0.16771; gnomAD exomes 0.59237 and 0.62668; TOPMed 0.59422; gnomAD 0.60187 and 0.60854; 1000 Genomes Project 30x 0.51296; 1000 Genomes Project 0.50539; ExAC 0.64448.
gnomAD v4.1: 982,887 of 1,575,846 alleles (62%); highest among the groups gnomAD compares: Non-Finnish European, 65%; 309,884 homozygotes.

Submissions (4):

GeneDx
Classification: Benign. Last evaluated: 2021-06-19. Review status: criteria provided, single submitter. Criteria: GeneDx Variant Classification Process June 2021. Collection method: clinical testing. Allele origin: germline. Affected: yes.

Illumina Laboratory Services, Illumina
Classification: Benign for Thrombocytopenia. Last evaluated: 2018-01-13. Review status: criteria provided, single submitter. Criteria: ICSL Variant Classification Criteria 13 December 2019. Collection method: clinical testing. Allele origin: germline.
Comment: This variant was observed in the ICSL laboratory as part of a predisposition screen in an ostensibly healthy population. It had not been previously curated by ICSL or reported in the Human Gene Mutation Database (HGMD: prior to June 1st, 2018), and was therefore a candidate for classification through an automated scoring system. Utilizing variant allele frequency, disease prevalence and penetrance estimates, and inheritance mode, an automated score was calculated to assess if this variant is too frequent to cause the disease. Based on the score and internal cut-off values, a variant classified as benign is not then subjected to further curation. The score for this variant resulted in a classification of benign for this disease.

Breakthrough Genomics
Classification: Benign. Review status: criteria provided, single submitter. Criteria: ACMG Guidelines, 2015. Collection method: not provided. Allele origin: germline. Inheritance: Unknown mechanism. Affected: yes.

PreventionGenetics, part of Exact Sciences
Classification: Benign. Review status: criteria provided, single submitter. Criteria: ACMG Guidelines, 2015. Collection method: clinical testing. Allele origin: germline.

NM_001172303.3(MASTL):c.-28C>A

Gene: MASTL (microtubule associated serine/threonine kinase like; plus strand). Cytogenetic location: 10p12.1.
Variant type: single nucleotide variant.
Coding change: c.-28C>A on transcript NM_001172303.3 (MANE Select); 28 bases upstream of the start codon, C replaced by A.
Molecular consequence: 5 prime UTR variant. On other transcripts: non-coding transcript variant (1).
Genome position (GRCh38, 1-based): chr10:27,155,399, C>A. VCF-style: chr10-27155399-C-A. GRCh37 (hg19) VCF-style: chr10-27444328-C-A.
Other names: c.-28C>A (NM_001172304.3, NM_001320756.2, NM_001320757.2 and 1 more transcripts); c.-631C>A (NM_001372029.1, NM_001372030.1).
Identifiers: ClinVar variation 262113 (VCV000262113.9), dbSNP rs7919803, ClinGen allele CA5449849.